The following is an entry in ClinVar:

NM_001909.5(CTSD):c.130G>A (p.Glu44Lys)

Genes: PRADX (PRC2 and DDX5 associated lncRNA; plus strand), CTSD (cathepsin D; minus strand). Cytogenetic location: 11p15.5.
Variant type: single nucleotide variant.
Coding change: c.130G>A on transcript NM_001909.5 (MANE Select); coding-DNA position 130, G replaced by A.
Protein change: p.Glu44Lys; replaces glutamic acid 44 with lysine.
Molecular consequence: missense variant.
Genome position (GRCh38, 1-based): chr11:1,761,407, C>T on the plus strand (G>A on the coding strand, the complement: CTSD is on the minus strand). VCF-style: chr11-1761407-C-T. GRCh37 (hg19) VCF-style: chr11-1782637-C-T.
Other names: c.130G>A (NM_001909.4); short protein forms E44K.
Identifiers: ClinVar variation 1715829 (VCV001715829.4), dbSNP rs1252993905, ClinGen allele CA379099839.
Genomic context (GRCh38, chr11:1,761,407, plus strand): 5'-CGGTCACGGCTGGCACCGCCTGGGAGTACTTTGAGACGGGGCCTTTGGCAATCAGGTCCT[C>T]CACAGAGCCCCCAACCTCCGACATGGTCCGGCGGATGGACGTGAACTTGTGCAGCGGGAT-3'
Protein context (NP_001900.1, residues 34-54): RTMSEVGGSV[Glu44Lys]DLIAKGPVSK

ClinVar aggregate classification (germline): Uncertain significance. Review status: criteria provided, multiple submitters, no conflicts (2 of 4 stars). 2 submissions from 2 submitters: Uncertain significance (2). Last evaluated 2024-12-09.

Conditions:
Neuronal ceroid lipofuscinosis. Also called: Neuronal Ceroid Lipofuscinoses. Identifiers: Orphanet 216, Orphanet 79263, MedGen C0027877, MONDO:0016295. Disease mechanism: loss of function.
Inborn genetic diseases. Identifiers: MedGen C0950123, MeSH D030342.

Allele frequency attached by ClinVar (database versions not stated): gnomAD exomes below 0.00001; TOPMed below 0.00001.

Submissions (2):

Ambry Genetics
Classification: Uncertain significance for Inborn genetic diseases. Last evaluated: 2024-12-09. Review status: criteria provided, single submitter. Criteria: Ambry Variant Classification Scheme 2023. Collection method: clinical testing. Allele origin: germline.

Labcorp Genetics (formerly Invitae), Labcorp
Classification: Uncertain significance for Neuronal ceroid lipofuscinosis. Last evaluated: 2022-08-09. Review status: criteria provided, single submitter. Criteria: Invitae Variant Classification Sherloc (09022015). Collection method: clinical testing. Allele origin: germline.
Comment: This sequence change replaces glutamic acid, which is acidic and polar, with lysine, which is basic and polar, at codon 44 of the CTSD protein (p.Glu44Lys). This variant is present in population databases (no rsID available, gnomAD 0.003%). This variant has not been reported in the literature in individuals affected with CTSD-related conditions. Algorithms developed to predict the effect of missense changes on protein structure and function (SIFT, PolyPhen-2, Align-GVGD) all suggest that this variant is likely to be tolerated. In summary, the available evidence is currently insufficient to determine the role of this variant in disease. Therefore, it has been classified as a Variant of Uncertain Significance.